The following is an entry in ClinVar:

ClinVar aggregate classification (germline): Pathogenic (1 of 4 stars; one submission).

Submission:

Labcorp Genetics (formerly Invitae), Labcorp
Classification: Pathogenic. Last evaluated: 2025-12-24. Review status: criteria provided, single submitter. Criteria: Invitae Variant Classification Sherloc (09022015). Collection method: clinical testing. Allele origin: germline.
Comment: This sequence change creates a premature translational stop signal (p.Leu449Serfs*82) in the COL9A2 gene. It is expected to result in an absent or disrupted protein product. Loss-of-function variants in COL9A2 are known to be pathogenic (PMID: 21671392, 33356723). This variant is not present in population databases (gnomAD no frequency). This variant has not been reported in the literature in individuals affected with COL9A2-related conditions. For these reasons, this variant has been classified as Pathogenic.

Literature cited by the submitters: PubMed 21671392; PubMed 33356723.

NM_001852.4(COL9A2):c.1345del (p.Leu449fs)

Gene: COL9A2 (collagen type IX alpha 2 chain; minus strand). Cytogenetic location: 1p34.2.
Variant type: Deletion.
Coding change: c.1345del on transcript NM_001852.4 (MANE Select); coding-DNA position 1345, one base deleted (C; older notation c.1345delC).
Protein change: p.Leu449fs; shifts the reading frame from leucine 449.
Molecular consequence: frameshift variant.
Genome position (GRCh38, 1-based): chr1:40,303,951, G deleted on the plus strand (C on the coding strand, the reverse complement: COL9A2 is on the minus strand); the first of 2 consecutive G bases (chr1:40,303,951-40,303,952); deleting either gives the same sequence. VCF-style (leftmost placement, unchanged base first): chr1-40303950-AG-A. GRCh37 (hg19) VCF-style: chr1-40769622-AG-A.
Other names: short protein forms L449fs.
Identifiers: ClinVar variation 4733581 (VCV004733581.1).